The following is an entry in ClinVar:

ClinVar aggregate classification (germline): Uncertain significance (1 of 4 stars; one submission).

Conditions:
Progressive sclerosing poliodystrophy (MTDPS4A). Also called: Alpers-Huttenlocher Syndrome; Mitochondrial DNA Depletion Syndrome 4A; ALPERS PROGRESSIVE INFANTILE POLIODYSTROPHY; NEURONAL DEGENERATION OF CHILDHOOD WITH LIVER DISEASE, PROGRESSIVE; Alpers-Huttenlocher Syndrome (AHS); Alpers Syndrome. Identifiers: Orphanet 726, MedGen C0205710, MONDO:0008758, OMIM 203700.

Allele frequency attached by ClinVar (database versions not stated): ExAC 0.00001.
gnomAD v4.1: 2 of 1,614,154 alleles (0.00012%); highest among the groups gnomAD compares: South Asian, 0.0011%; no homozygotes.

Submission:

Labcorp Genetics (formerly Invitae), Labcorp
Classification: Uncertain significance for Progressive sclerosing poliodystrophy. Last evaluated: 2025-08-01. Review status: criteria provided, single submitter. Criteria: Invitae Variant Classification Sherloc (09022015). Collection method: clinical testing. Allele origin: germline.
Comment: This sequence change replaces glycine, which is neutral and non-polar, with glutamic acid, which is acidic and polar, at codon 365 of the POLG protein (p.Gly365Glu). This variant is present in population databases (rs781181789, gnomAD 0.003%). This variant has not been reported in the literature in individuals affected with POLG-related conditions. ClinVar contains an entry for this variant (Variation ID: 1929090). Invitae Evidence Modeling of protein sequence and biophysical properties (such as structural, functional, and spatial information, amino acid conservation, physicochemical variation, residue mobility, and thermodynamic stability) indicates that this missense variant is expected to disrupt POLG protein function with a positive predictive value of 95%. In summary, the available evidence is currently insufficient to determine the role of this variant in disease. Therefore, it has been classified as a Variant of Uncertain Significance.

NM_002693.3(POLG):c.1094G>A (p.Gly365Glu)

Gene: POLG (DNA polymerase gamma, catalytic subunit; minus strand). Cytogenetic location: 15q26.1.
Variant type: single nucleotide variant.
Coding change: c.1094G>A on transcript NM_002693.3 (MANE Select); coding-DNA position 1094, G replaced by A.
Protein change: p.Gly365Glu; replaces glycine 365 with glutamic acid.
Molecular consequence: missense variant.
Genome position (GRCh38, 1-based): chr15:89,328,761, C>T on the plus strand (G>A on the coding strand, the complement: POLG is on the minus strand). VCF-style: chr15-89328761-C-T. GRCh37 (hg19) VCF-style: chr15-89871992-C-T.
Other names: c.1094G>A, p.Gly365Glu (NM_001126131.2); short protein forms G365E.
Identifiers: ClinVar variation 1929090 (VCV001929090.5), dbSNP rs781181789, ClinGen allele CA7724957.
Genomic context (GRCh38, chr15:89,328,761, plus strand): 5'-ATGTCCTTCATGGTGCCCTTCACAAACAGTTCTCGAGGCTCCTTCTCTAAGGGAGGCCCC[C>T]CTACATAAAGTCTGTGCACCTCTGCCAGACTGTTGACACTGCTGATGTCCAGCCAGTCCC-3'
Protein context (NP_002684.1, residues 355-375): SLAEVHRLYV[Gly365Glu]GPPLEKEPRE